The following is an entry in ClinVar:

ClinVar aggregate classification (germline): Uncertain significance. Review status: criteria provided, multiple submitters, no conflicts (2 of 4 stars). 2 submissions from 2 submitters: Uncertain significance (2). Last evaluated 2025-11-19.

Conditions:
Inborn genetic diseases. Identifiers: MedGen C0950123, MeSH D030342.
Nephronophthisis 9 (NPHP9). Identifiers: Orphanet 655, MedGen C3151188, MONDO:0013444, OMIM 613824.

Allele frequency attached by ClinVar (database versions not stated): gnomAD exomes 0.00001; TOPMed 0.00003; 1000 Genomes Project 30x 0.00031; 1000 Genomes Project 0.00020.
gnomAD v4.1: 13 of 1,614,024 alleles (0.00081%); highest among the groups gnomAD compares: African/African-American, 0.0067%; no homozygotes.

Submissions (2):

Ambry Genetics
Classification: Uncertain significance for Inborn genetic diseases. Last evaluated: 2025-11-19. Review status: criteria provided, single submitter. Criteria: Ambry Variant Classification Scheme 2023. Collection method: clinical testing. Allele origin: germline.

Labcorp Genetics (formerly Invitae), Labcorp
Classification: Uncertain significance for Nephronophthisis 9. Last evaluated: 2025-02-27. Review status: criteria provided, single submitter. Criteria: Invitae Variant Classification Sherloc (09022015). Collection method: clinical testing. Allele origin: germline.
Comment: This sequence change replaces serine, which is neutral and polar, with leucine, which is neutral and non-polar, at codon 684 of the NEK8 protein (p.Ser684Leu). This variant is present in population databases (rs541016960, gnomAD 0.007%). This variant has not been reported in the literature in individuals affected with NEK8-related conditions. ClinVar contains an entry for this variant (Variation ID: 2488594). An algorithm developed to predict the effect of missense changes on protein structure and function (PolyPhen-2) suggests that this variant is likely to be tolerated. In summary, the available evidence is currently insufficient to determine the role of this variant in disease. Therefore, it has been classified as a Variant of Uncertain Significance.

NM_178170.3(NEK8):c.2051C>T (p.Ser684Leu)

Gene: NEK8 (NIMA related kinase 8; plus strand). Cytogenetic location: 17q11.2.
Variant type: single nucleotide variant.
Coding change: c.2051C>T on transcript NM_178170.3 (MANE Select); coding-DNA position 2051, C replaced by T.
Protein change: p.Ser684Leu; replaces serine 684 with leucine.
Molecular consequence: missense variant.
Genome position (GRCh38, 1-based): chr17:28,741,959, C>T. VCF-style: chr17-28741959-C-T. GRCh37 (hg19) VCF-style: chr17-27068977-C-T.
Other names: short protein forms S684L.
Identifiers: ClinVar variation 2488594 (VCV002488594.5), dbSNP rs541016960, ClinGen allele CA8467649.